The following is an entry in ClinVar:

ClinVar aggregate classification (germline): Uncertain significance (1 of 4 stars; one submission).

Conditions:
Primary ciliary dyskinesia. Also called: Ciliary dyskinesia. Identifiers: Orphanet 244, MedGen C0008780, MONDO:0016575, HP:0012265.

gnomAD v4.1: 2,434 of 1,613,988 alleles (0.15%); highest among the groups gnomAD compares: Middle Eastern, 0.28%; 1 homozygote.

Submission:

Department of Human Genetics, Hannover Medical School
Classification: Uncertain significance for Primary Ciliary Dyskinesia. Last evaluated: 2026-04-01. Review status: criteria provided, single submitter. Criteria: ACMG Guidelines, 2015. Collection method: research. Allele origin: germline. Affected: no.
Comment: Classification performed by HerediClassify using the following criteria:['PM2_supporting: Variant occures does not occur as homozygous in gnomAD.', 'PVS1_protein_strong: Transcript ENST00000274134 is not predicted to undergo NMD. Protein length change of 0.808695652173913 observed.']

NM_031916.5(ROPN1L):c.135T>A (p.Tyr45Ter)

Gene: ROPN1L (rhophilin associated tail protein 1 like; plus strand). Cytogenetic location: 5p15.2.
Variant type: single nucleotide variant.
Coding change: c.135T>A on transcript NM_031916.5 (MANE Select); coding-DNA position 135, T replaced by A.
Protein change: p.Tyr45Ter; replaces tyrosine 45 with a stop codon.
Molecular consequence: nonsense.
Genome position (GRCh38, 1-based): chr5:10,448,263, T>A. VCF-style: chr5-10448263-T-A. GRCh37 (hg19) VCF-style: chr5-10448375-T-A.
Other names: c.135T>A, p.Tyr45Ter (NM_001201466.2); short protein forms Y45*.
Identifiers: ClinVar variation 4880086 (VCV004880086.1).